The following is an entry in ClinVar:

ClinVar aggregate classification (germline): Likely benign. Review status: criteria provided, single submitter (1 of 4 stars). 2 submissions from 2 submitters: Likely benign (1). 1 of the submissions does not count toward it. Last evaluated 2019-12-18.

Conditions:
TNC-related disorder. Also called: TNC-related condition.

Allele frequency attached by ClinVar (database versions not stated): ExAC 0.00002; gnomAD exomes 0.00003; gnomAD 0.00004; TOPMed 0.00005; ESP Exome Variant Server 0.00008.
gnomAD v4.1: 52 of 1,610,974 alleles (0.0032%); highest among the groups gnomAD compares: Non-Finnish European, 0.0043%; no homozygotes.

Submissions (2):

Blueprint Genetics
Classification: Likely benign. Last evaluated: 2019-12-18. Review status: criteria provided, single submitter. Criteria: ACMG Guidelines, 2015. Collection method: clinical testing. Allele origin: germline.

PreventionGenetics, part of Exact Sciences
Classification: Likely benign for TNC-related condition. Last evaluated: 2019-03-25. Review status: no assertion criteria provided. Collection method: clinical testing. Allele origin: germline. Not counted in ClinVar's aggregate classification.
Comment: This variant is classified as likely benign based on ACMG/AMP sequence variant interpretation guidelines (Richards et al. 2015 PMID: 25741868, with internal and published modifications).

NM_002160.4(TNC):c.2442C>T (p.Val814=)

Gene: TNC (tenascin C; minus strand). Cytogenetic location: 9q33.1.
Variant type: single nucleotide variant.
Coding change: c.2442C>T on transcript NM_002160.4 (MANE Select); coding-DNA position 2442, C replaced by T.
Protein change: p.Val814=; no amino-acid change (valine 814 retained).
Molecular consequence: synonymous variant.
Genome position (GRCh38, 1-based): chr9:115,078,175, G>A on the plus strand (C>T on the coding strand, the complement: TNC is on the minus strand). VCF-style: chr9-115078175-G-A. GRCh37 (hg19) VCF-style: chr9-117840454-G-A.
Other names: c.2442C>T, p.Val814= (NM_001410991.1).
Identifiers: ClinVar variation 3038409 (VCV003038409.3), dbSNP rs373650448, ClinGen allele CA5208518.